The following is an entry in ClinVar:

ClinVar aggregate classification (germline): not provided (0 of 4 stars; one submission).

Allele frequency attached by ClinVar (database versions not stated): gnomAD exomes 0.00009 and 0.00019; ExAC 0.00023; ESP Exome Variant Server 0.00038; 1000 Genomes Project 0.00080; gnomAD 0.00082 and 0.00090; TOPMed 0.00099; 1000 Genomes Project 30x 0.00109.
gnomAD v4.1: 273 of 1,614,224 alleles (0.017%); highest among the groups gnomAD compares: African/African-American, 0.25%; 1 homozygote.

Submission:

ITMI
No classification provided. Condition: AllHighlyPenetrant. Last evaluated: 2013-09-19. Review status: no classification provided. Collection method: reference population. Allele origin: germline.
Comment: Please see associated publication for description of ethnicities

Literature cited by the submitters: PubMed 24728327.

NM_016507.4(CDK12):c.3997C>T (p.Arg1333Cys)

Gene: CDK12 (cyclin dependent kinase 12; plus strand). Cytogenetic location: 17q12.
Variant type: single nucleotide variant.
Coding change: c.3997C>T on transcript NM_016507.4 (MANE Select); coding-DNA position 3997, C replaced by T.
Protein change: p.Arg1333Cys; replaces arginine 1333 with cysteine.
Molecular consequence: missense variant.
Genome position (GRCh38, 1-based): chr17:39,530,840, C>T. VCF-style: chr17-39530840-C-T. GRCh37 (hg19) VCF-style: chr17-37687093-C-T.
Other names: c.3970C>T, p.Arg1324Cys (NM_015083.4); short protein forms R1324C, R1333C.
Identifiers: ClinVar variation 133864 (VCV000133864.1), dbSNP rs142347393, ClinGen allele CA158016.